The following is an entry in ClinVar:

ClinVar aggregate classification (germline): Likely benign (1 of 4 stars; one submission).

Allele frequency attached by ClinVar (database versions not stated): 1000 Genomes Project 0.00220; 1000 Genomes Project 30x 0.00250; TOPMed 0.00464; ExAC 0.00477; gnomAD 0.00503; ESP Exome Variant Server 0.00646; gnomAD exomes 0.00720.
gnomAD v4.1: 11,210 of 1,614,102 alleles (0.69%); highest among the groups gnomAD compares: Non-Finnish European, 0.84%; 46 homozygotes.

Submission:

CeGaT Center for Human Genetics Tuebingen
Classification: Likely benign. Last evaluated: 2023-02-01. Review status: criteria provided, single submitter. Criteria: CeGaT Center For Human Genetics Tuebingen Variant Classification Criteria Version 2. Collection method: clinical testing. Allele origin: germline. Affected: yes. Observed: 3 variant alleles.
Comment: KIAA0408: BP4, BP7

NM_014702.5(KIAA0408):c.306A>G (p.Arg102=)

Genes: KIAA0408 (KIAA0408; minus strand), SOGA3-KIAA0408 (SOGA3-KIAA0408 readthrough; minus strand). Cytogenetic location: 6q22.33.
Variant type: single nucleotide variant.
Coding change: c.306A>G on transcript NM_014702.5 (MANE Select); coding-DNA position 306, A replaced by G.
Protein change: p.Arg102=; no amino-acid change (arginine 102 retained).
Molecular consequence: synonymous variant. On other transcripts: non-coding transcript variant (1).
Genome position (GRCh38, 1-based): chr6:127,450,182, T>C on the plus strand (A>G on the coding strand, the complement: KIAA0408 is on the minus strand). VCF-style: chr6-127450182-T-C. GRCh37 (hg19) VCF-style: chr6-127771327-T-C.
Identifiers: ClinVar variation 2656900 (VCV002656900.24), dbSNP rs147857938, ClinGen allele CA3989239.
Genomic context (GRCh38, chr6:127,450,182, plus strand): 5'-TTGTTCCTTACACATTTGATTTCCTCCACTGACTAAGCTCTGCTCTCTTTTATTTTCTTT[T>C]CTCAGACCATCTTTGTGATTCGTCCTTATAAATTCACTTTGTCCTAAATCGGGGTAATTT-3'
Protein context (NP_055517.3, residues 92-112): FIRTNHKDGL[Arg102=]KENKREQSLV